The following is an entry in ClinVar:

NC_000023.10:g.(31525571_31645789)_(31986632_32235032)dup

Gene: DMD (dystrophin; minus strand). Cytogenetic location: Xp21.1.
Variant type: Duplication.
Identifiers: ClinVar variation 1339730 (VCV001339730.1).

ClinVar aggregate classification (germline): Pathogenic (1 of 4 stars; one submission).

Conditions:
Neuromuscular disease caused by qualitative or quantitative defects of dystrophin. Also called: Qualitative or quantitative defects of dystrophin. Identifiers: Orphanet 207085, MedGen C5679787, MONDO:0016147.

Submission:

Women's Health and Genetics/Laboratory Corporation of America, LabCorp
Classification: Pathogenic for Neuromuscular disease caused by qualitative or quantitative defects of dystrophin. Last evaluated: 2022-01-20. Review status: criteria provided, single submitter. Criteria: LabCorp Variant Classification Summary - May 2015. Collection method: clinical testing. Allele origin: germline.
Comment: Variant summary: The variant identified by MLPA or other technology involves the duplication of exons 45-55 in the DMD gene. A presumed nomenclature of c.(6438+1_6439-1)_(8217+1_8218-1)dup has been designated for the purposes of this classification. It has been assumed that this is a tandem duplication in direct orientation (Richardson_GIM_2018, Newman_AJHG_2015). Although exact breakpoints of this duplication are not known, it is expected to result in a large in-frame duplication change in the DMD gene. The variant was absent in 15814 control chromosomes (gnomAD, Structural Variants dataset). Duplication of exons 45-55 has been reported in the literature in multiple individuals affected with Dystrophinopathies (e.g. White_2006, Tuffery-Giraud_2009, Zhong_2019, Nallamilli_2021). These data indicate that the variant is likely to be associated with disease. A ClinVar submitter (evaluation after 2014) cites the variant as uncertain significance. Based on the evidence outlined above, the variant was classified as pathogenic.

Literature cited by the submitters: PubMed 19367636; PubMed 16917894; PubMed 30816495; PubMed 33644936.